The following is an entry in ClinVar:

NM_152564.5(VPS13B):c.2500A>G (p.Ile834Val)

Gene: VPS13B (vacuolar protein sorting 13 homolog B; plus strand). Cytogenetic location: 8q22.2.
Variant type: single nucleotide variant.
Coding change: c.2500A>G on transcript NM_152564.5 (MANE Select); coding-DNA position 2500, A replaced by G.
Protein change: p.Ile834Val; replaces isoleucine 834 with valine.
Molecular consequence: missense variant.
Genome position (GRCh38, 1-based): chr8:99,193,042, A>G. VCF-style: chr8-99193042-A-G. GRCh37 (hg19) VCF-style: chr8-100205270-A-G.
Other names: c.2500A>G, p.Ile834Val (NM_015243.3, NM_017890.5); short protein forms I834V.
Identifiers: ClinVar variation 2097771 (VCV002097771.1), dbSNP rs2488955429, ClinGen allele CA371861813.
Genomic context (GRCh38, chr8:99,193,042, plus strand): 5'-AGTTGGTCTCATCTTGGAAATGTCAGCTCTTCCGCAGTGATTGAAGCTTTGATAAATGAA[A>G]TCTTCCTAAGTATAGGTAAGAGCACAGTCTTTTTGATAACTATATGGAAAATTTGTGTTA-3'
Protein context (NP_689777.3, residues 824-844): SAVIEALINE[Ile834Val]FLSIGVKSKN

ClinVar aggregate classification (germline): Uncertain significance (1 of 4 stars; one submission).

Conditions:
Cohen syndrome (COH1). Also called: Cutis verticis gyrata, retinitis pigmentosa, and sensorineural deafness; PEPPER SYNDROME. Identifiers: Orphanet 193, MedGen C0265223, MONDO:0008999, OMIM 216550.

Submission:

Labcorp Genetics (formerly Invitae), Labcorp
Classification: Uncertain significance for Cohen syndrome. Last evaluated: 2022-02-21. Review status: criteria provided, single submitter. Criteria: Invitae Variant Classification Sherloc (09022015). Collection method: clinical testing. Allele origin: germline.
Comment: This sequence change replaces isoleucine, which is neutral and non-polar, with valine, which is neutral and non-polar, at codon 834 of the VPS13B protein (p.Ile834Val). This variant is not present in population databases (gnomAD no frequency). This variant has not been reported in the literature in individuals affected with VPS13B-related conditions. Algorithms developed to predict the effect of missense changes on protein structure and function output the following: SIFT: "Not Available"; PolyPhen-2: "Benign"; Align-GVGD: "Not Available". The valine amino acid residue is found in multiple mammalian species, which suggests that this missense change does not adversely affect protein function. In summary, the available evidence is currently insufficient to determine the role of this variant in disease. Therefore, it has been classified as a Variant of Uncertain Significance.